The following is an entry in ClinVar:

NM_001365951.3(KIF1B):c.4721T>C (p.Leu1574Pro)

Gene: KIF1B (kinesin family member 1B; plus strand). Cytogenetic location: 1p36.22.
Variant type: single nucleotide variant.
Coding change: c.4721T>C on transcript NM_001365951.3 (MANE Select); coding-DNA position 4721, T replaced by C.
Protein change: p.Leu1574Pro; replaces leucine 1574 with proline.
Molecular consequence: missense variant.
Genome position (GRCh38, 1-based): chr1:10,365,617, T>C. VCF-style: chr1-10365617-T-C. GRCh37 (hg19) VCF-style: chr1-10425675-T-C.
Other names: c.4721T>C, p.Leu1574Pro (NM_001365952.1); c.4583T>C, p.Leu1528Pro (NM_015074.3); short protein forms L1528P, L1574P.
Identifiers: ClinVar variation 3288406 (VCV003288406.1).
Genomic context (GRCh38, chr1:10,365,617, plus strand): 5'-TTGAAAGCGCCATCACACCTAGCGAGAGCAGTGGCTATGATTCAGGAGACATCGAAAGCC[T>C]GGTGGACCGAGAGAAAGAGCTGGCTACCAAGGTGTGAATCCCTTCCTCTTTGCTGAACGT-3'
Protein context (NP_001352880.1, residues 1564-1584): SGYDSGDIES[Leu1574Pro]VDREKELATK

ClinVar aggregate classification (germline): Uncertain significance (1 of 4 stars; one submission).

Submission:

Ambry Genetics
Classification: Uncertain significance. Last evaluated: 2024-03-27. Review status: criteria provided, single submitter. Criteria: Ambry Variant Classification Scheme 2023. Collection method: clinical testing. Allele origin: germline.
Comment: The p.L1528P variant (also known as c.4583T>C), located in coding exon 40 of the KIF1B gene, results from a T to C substitution at nucleotide position 4583. The leucine at codon 1528 is replaced by proline, an amino acid with similar properties. This amino acid position is conserved. In addition, the in silico prediction for this alteration is inconclusive. Based on the available evidence, the clinical significance of this alteration remains unclear.